The following is an entry in ClinVar:

NM_016180.5(SLC45A2):c.129C>G (p.Phe43Leu)

Gene: SLC45A2 (solute carrier family 45 member 2; minus strand). Cytogenetic location: 5p13.2.
Variant type: single nucleotide variant.
Coding change: c.129C>G on transcript NM_016180.5 (MANE Select); coding-DNA position 129, C replaced by G.
Protein change: p.Phe43Leu; replaces phenylalanine 43 with leucine.
Molecular consequence: missense variant.
Genome position (GRCh38, 1-based): chr5:33,984,455, G>C on the plus strand (C>G on the coding strand, the complement: SLC45A2 is on the minus strand). VCF-style: chr5-33984455-G-C. GRCh37 (hg19) VCF-style: chr5-33984560-G-C.
Other names: c.129C>G, p.Phe43Leu (NM_001012509.4, NM_001297417.4); short protein forms F43L.
Identifiers: ClinVar variation 1362034 (VCV001362034.8), dbSNP rs1049619183, ClinGen allele CA359397756.

ClinVar aggregate classification (germline): Uncertain significance (1 of 4 stars; one submission).

gnomAD v4.1: 1 of 1,613,738 alleles (0.000062%); no homozygotes.

Submission:

Labcorp Genetics (formerly Invitae), Labcorp
Classification: Uncertain significance. Last evaluated: 2021-04-22. Review status: criteria provided, single submitter. Criteria: Invitae Variant Classification Sherloc (09022015). Collection method: clinical testing. Allele origin: germline.
Comment: In summary, the available evidence is currently insufficient to determine the role of this variant in disease. Therefore, it has been classified as a Variant of Uncertain Significance. Algorithms developed to predict the effect of missense changes on protein structure and function output the following: SIFT: "Tolerated"; PolyPhen-2: "Benign"; Align-GVGD: "Class C0". The leucine amino acid residue is found in multiple mammalian species, suggesting that this missense change does not adversely affect protein function. These predictions have not been confirmed by published functional studies and their clinical significance is uncertain. This variant has not been reported in the literature in individuals with SLC45A2-related conditions. This variant is not present in population databases (ExAC no frequency). This sequence change replaces phenylalanine with leucine at codon 43 of the SLC45A2 protein (p.Phe43Leu). The phenylalanine residue is moderately conserved and there is a small physicochemical difference between phenylalanine and leucine.